The following is an entry in ClinVar:

NM_000051.4(ATM):c.7151T>C (p.Met2384Thr)

Genes: ATM (ATM serine/threonine kinase; plus strand), C11orf65 (chromosome 11 open reading frame 65; minus strand). Cytogenetic location: 11q22.3.
Variant type: single nucleotide variant.
Coding change: c.7151T>C on transcript NM_000051.4 (MANE Select); coding-DNA position 7151, T replaced by C.
Protein change: p.Met2384Thr; replaces methionine 2384 with threonine.
Molecular consequence: missense variant. On other transcripts: intron variant (2).
Genome position (GRCh38, 1-based): chr11:108,329,082, T>C. VCF-style: chr11-108329082-T-C. GRCh37 (hg19) VCF-style: chr11-108199809-T-C.
Other names: c.7151T>C, p.Met2384Thr (NM_001351834.2); c.641-20011A>G (NM_001330368.2); c.*38+6138A>G (NM_001351110.2); short protein forms M2384T.
Identifiers: ClinVar variation 921514 (VCV000921514.13), dbSNP rs1215010771, ClinGen allele CA382559513.

ClinVar aggregate classification (germline): Uncertain significance. Review status: criteria provided, multiple submitters, no conflicts (2 of 4 stars). 3 submissions from 3 submitters: Uncertain significance (3). Last evaluated 2023-12-04.

Conditions:
Hereditary cancer-predisposing syndrome. Also called: Tumor predisposition; Neoplastic Syndromes, Hereditary; Hereditary neoplastic syndrome; Hereditary Cancer Syndrome. Identifiers: Orphanet 140162, MedGen C0027672, MeSH D009386, MONDO:0015356.
Familial cancer of breast. Also called: Hereditary breast cancer; hereditary breast carcinoma; BREAST CANCER, FAMILIAL. Identifiers: Orphanet 227535, MedGen C0346153, MONDO:0016419, OMIM 114480. Disease mechanism: loss of function.
Ataxia-telangiectasia syndrome (AT). Also called: Ataxia-telangiectasia, complementation group D; AT, COMPLEMENTATION GROUP C; ATAXIA-TELANGIECTASIA, COMPLEMENTATION GROUP A; ATAXIA-TELANGIECTASIA, FRESNO VARIANT; Ataxia-telangiectasia; Ataxia telangiectasia (A-T). Identifiers: Orphanet 100, MedGen C0004135, MONDO:0008840, OMIM 208900.

Allele frequency attached by ClinVar (database versions not stated): gnomAD exomes below 0.00001.
gnomAD v4.1: 1 of 1,614,096 alleles (0.000062%); highest among the groups gnomAD compares: South Asian, 0.0011%; no homozygotes.

Submissions (3):

Color Diagnostics, LLC DBA Color Health
Classification: Uncertain significance for Hereditary cancer-predisposing syndrome. Last evaluated: 2023-12-04. Review status: criteria provided, single submitter. Criteria: ACMG Guidelines, 2015. Collection method: clinical testing. Allele origin: germline.
Comment: This missense variant replaces methionine with threonine at codon 2384 of the ATM protein. Computational prediction tools and conservation analyses are inconclusive regarding the impact of this variant on the protein function. Computational splicing tools suggest that this variant may not impact RNA splicing. To our knowledge, functional assays have not been performed for this variant nor has this variant been reported in individuals affected with hereditary cancer in the literature. This variant has been identified in 1/251418 chromosomes in the general population by the Genome Aggregation Database (gnomAD). Available evidence is insufficient to determine the role of this variant in disease conclusively. Therefore, this variant is classified as a Variant of Uncertain Significance.

Baylor Genetics
Classification: Uncertain significance for Familial cancer of breast. Last evaluated: 2023-06-02. Review status: criteria provided, single submitter. Criteria: ACMG Guidelines, 2015. Collection method: clinical testing. Allele origin: unknown.

Labcorp Genetics (formerly Invitae), Labcorp
Classification: Uncertain significance for Ataxia-telangiectasia syndrome. Last evaluated: 2020-12-17. Review status: criteria provided, single submitter. Criteria: Invitae Variant Classification Sherloc (09022015). Collection method: clinical testing. Allele origin: germline.
Comment: In summary, the available evidence is currently insufficient to determine the role of this variant in disease. Therefore, it has been classified as a Variant of Uncertain Significance. Advanced modeling of protein sequence and biophysical properties (such as structural, functional, and spatial information, amino acid conservation, physicochemical variation, residue mobility, and thermodynamic stability) performed at Invitae indicates that this missense variant is not expected to disrupt ATM protein function. This variant has not been reported in the literature in individuals with ATM-related conditions. ClinVar contains an entry for this variant (Variation ID: 921514). This variant is not present in population databases (ExAC no frequency). This sequence change replaces methionine with threonine at codon 2384 of the ATM protein (p.Met2384Thr). The methionine residue is moderately conserved and there is a moderate physicochemical difference between methionine and threonine.